The following is an entry in ClinVar:

Single allele

Genes: FLRT2 (fibronectin leucine rich transmembrane protein 2; plus strand), GALC (galactosylceramidase; minus strand). Cytogenetic location: 14q31.3.
Variant type: Deletion.
Identifiers: ClinVar variation 997827 (VCV000997827.1).

ClinVar aggregate classification (germline): Pathogenic (0 of 4 stars; one submission).

Conditions:
Intellectual disability. Also called: Intellectual functioning disability; intellectual disabilities; Intellectual developmental disorder. Identifiers: MedGen C3714756, MeSH D008607, MONDO:0001071, HP:0001249.

Submission:

Institute of Human Genetics, University of Leipzig Medical Center
Classification: Pathogenic for Intellectual disability. Last evaluated: 2021-02-25. Review status: no assertion criteria provided. Collection method: clinical testing. Allele origin: paternal. Inheritance: Autosomal recessive inheritance. Affected: yes. Observed: 1 variant allele, 1 compound heterozygote.
Comment: The variant was reviewed according to current ACMG recommendations and classified as Pathogenic (criteria: PSV1_VeryStrong, PM2_Supporting, PM3_Moderate, PP4_Supporting). This variant was identified in a compound heterozygous state with the variant NM_000153.4(GALC):c.1586C>T (p.Thr529Met) (Variation ID: 370073).